The following is an entry in ClinVar:

ClinVar aggregate classification (germline): Uncertain significance (1 of 4 stars; one submission).

Submission:

Women's Health and Genetics/Laboratory Corporation of America, LabCorp
Classification: Uncertain significance. Last evaluated: 2026-01-28. Review status: criteria provided, single submitter. Criteria: LabCorp Variant Classification Summary - May 2015. Collection method: clinical testing. Allele origin: germline.
Comment: Variant summary: ABCC8 c.3640C>G (p.Arg1214Gly) results in a non-conservative amino acid change in the encoded protein sequence. Algorithms developed to predict the effect of missense changes on protein structure and function all suggest that this variant is likely to be disruptive. The variant was absent in 251486 control chromosomes. The available data on variant occurrences in the general population are insufficient to allow any conclusion about variant significance. To our knowledge, no occurrence of c.3640C>G in individuals affected with ABCC8-related conditions and no experimental evidence demonstrating its impact on protein function have been reported. A different variant affecting the same codon has been classified as likely pathogenic/pathogenic by our lab (c.3640C>T, p.Arg1214Trp), supporting the critical relevance of codon 1214 to ABCC8 protein function. No submitters have cited clinical-significance assessments for this variant to ClinVar. Based on the evidence outlined above, the variant was classified as uncertain significance.

NM_000352.6(ABCC8):c.3640C>G (p.Arg1214Gly)

Gene: ABCC8 (ATP binding cassette subfamily C member 8; minus strand). Cytogenetic location: 11p15.1.
Variant type: single nucleotide variant.
Coding change: c.3640C>G on transcript NM_000352.6 (MANE Select); coding-DNA position 3640, C replaced by G.
Protein change: p.Arg1214Gly; replaces arginine 1214 with glycine.
Molecular consequence: missense variant. On other transcripts: non-coding transcript variant (1).
Genome position (GRCh38, 1-based): chr11:17,402,671, G>C on the plus strand (C>G on the coding strand, the complement: ABCC8 is on the minus strand). VCF-style: chr11-17402671-G-C. GRCh37 (hg19) VCF-style: chr11-17424218-G-C.
Other names: c.3643C>G, p.Arg1215Gly (NM_001287174.3); c.3706C>G, p.Arg1236Gly (NM_001351295.2); c.3640C>G, p.Arg1214Gly (NM_001351296.2); c.3637C>G, p.Arg1213Gly (NM_001351297.2); short protein forms R1213G, R1214G, R1215G, R1236G.
Identifiers: ClinVar variation 4689154 (VCV004689154.1).